The following is an entry in ClinVar:

NM_000264.5(PTCH1):c.533A>G (p.His178Arg)

Gene: PTCH1 (patched 1; minus strand). Cytogenetic location: 9q22.32.
Variant type: single nucleotide variant.
Coding change: c.533A>G on transcript NM_000264.5 (MANE Select); coding-DNA position 533, A replaced by G.
Protein change: p.His178Arg; replaces histidine 178 with arginine.
Molecular consequence: missense variant. On other transcripts: non-coding transcript variant (1).
Genome position (GRCh38, 1-based): chr9:95,485,736, T>C on the plus strand (A>G on the coding strand, the complement: PTCH1 is on the minus strand). VCF-style: chr9-95485736-T-C. GRCh37 (hg19) VCF-style: chr9-98248018-T-C.
Other names: c.335A>G, p.His112Arg (NM_001083602.3, NM_001354919.2); c.530A>G, p.His177Arg (NM_001083603.3); c.80A>G, p.His27Arg (NM_001083604.3, NM_001083605.3, NM_001083606.3 and 1 more transcripts); c.533A>G, p.His178Arg (NM_001354918.2); short protein forms H27R, H112R, H177R, H178R.
Identifiers: ClinVar variation 1503837 (VCV001503837.8), dbSNP rs1588622337, ClinGen allele CA374116789.
Genomic context (GRCh38, chr9:95,485,736, plus strand): 5'-GGGCCTTACCTGTTGTACATGTATACATGGACACGGCTGGCCTGGAGTGCCGAGTCCAGG[T>C]GTTGTAGGAGCGCTTCTGTGGTCAGGACATTAGCACCTTCTTCTTTAGGGGTCTGTATCA-3'
Protein context (NP_000255.2, residues 168-188): NVLTTEALLQ[His178Arg]LDSALQASRV

ClinVar aggregate classification (germline): Uncertain significance (1 of 4 stars; one submission).

Conditions:
Gorlin syndrome. Also called: Nevoid Basal Cell Carcinoma Syndrome; Basal cell nevus syndrome. Identifiers: Orphanet 377, MedGen C0004779, MONDO:0007187.

Submission:

Labcorp Genetics (formerly Invitae), Labcorp
Classification: Uncertain significance for Gorlin syndrome. Last evaluated: 2021-07-06. Review status: criteria provided, single submitter. Criteria: Invitae Variant Classification Sherloc (09022015). Collection method: clinical testing. Allele origin: germline.
Comment: Algorithms developed to predict the effect of missense changes on protein structure and function are either unavailable or do not agree on the potential impact of this missense change (SIFT: "Deleterious"; PolyPhen-2: "Probably Damaging"; Align-GVGD: "Class C0"). This sequence change replaces histidine with arginine at codon 178 of the PTCH1 protein (p.His178Arg). The histidine residue is highly conserved and there is a small physicochemical difference between histidine and arginine. This variant is not present in population databases (ExAC no frequency). This variant has not been reported in the literature in individuals affected with PTCH1-related conditions. In summary, the available evidence is currently insufficient to determine the role of this variant in disease. Therefore, it has been classified as a Variant of Uncertain Significance.